The following is an entry in ClinVar:

NM_001283009.2(RTEL1):c.1125C>A (p.His375Gln)

Genes: RTEL1 (regulator of telomere elongation helicase 1; plus strand), RTEL1-TNFRSF6B (RTEL1-TNFRSF6B readthrough (NMD candidate); plus strand). Cytogenetic location: 20q13.33.
Variant type: single nucleotide variant.
Coding change: c.1125C>A on transcript NM_001283009.2 (MANE Select); coding-DNA position 1125, C replaced by A.
Protein change: p.His375Gln; replaces histidine 375 with glutamine.
Molecular consequence: missense variant. On other transcripts: non-coding transcript variant (1).
Genome position (GRCh38, 1-based): chr20:63,679,936, C>A. VCF-style: chr20-63679936-C-A. GRCh37 (hg19) VCF-style: chr20-62311289-C-A.
Other names: c.456C>A, p.His152Gln (NM_001283010.1); c.1125C>A, p.His375Gln (NM_016434.4); c.1197C>A, p.His399Gln (NM_032957.5); short protein forms H152Q, H399Q, H375Q.
Identifiers: ClinVar variation 3948308 (VCV003948308.1).

ClinVar aggregate classification (germline): Uncertain significance (1 of 4 stars; one submission).

Conditions:
Inborn genetic diseases. Identifiers: MedGen C0950123, MeSH D030342.

Submission:

Ambry Genetics
Classification: Uncertain significance for Inborn genetic diseases. Last evaluated: 2025-04-06. Review status: criteria provided, single submitter. Criteria: Ambry Variant Classification Scheme 2023. Collection method: clinical testing. Allele origin: germline.
Comment: The p.H375Q variant (also known as c.1125C>A), located in coding exon 12 of the RTEL1 gene, results from a C to A substitution at nucleotide position 1125. The histidine at codon 375 is replaced by glutamine, an amino acid with highly similar properties. This amino acid position is conserved. In addition, this alteration is predicted to be tolerated by in silico analysis. Based on the available evidence, the clinical significance of this variant remains unclear.